The following is an entry in ClinVar:

NM_016599.5(MYOZ2):c.292G>C (p.Glu98Gln)

Gene: MYOZ2 (myozenin 2; plus strand). Cytogenetic location: 4q26.
Variant type: single nucleotide variant.
Coding change: c.292G>C on transcript NM_016599.5 (MANE Select); coding-DNA position 292, G replaced by C.
Protein change: p.Glu98Gln; replaces glutamic acid 98 with glutamine.
Molecular consequence: missense variant.
Genome position (GRCh38, 1-based): chr4:119,158,067, G>C. VCF-style: chr4-119158067-G-C. GRCh37 (hg19) VCF-style: chr4-120079222-G-C.
Other names: p.E98Q:GAA>CAA; short protein forms E98Q.
Identifiers: ClinVar variation 213654 (VCV000213654.8), dbSNP rs779446731, ClinGen allele CA323884.

ClinVar aggregate classification (germline): Uncertain significance. Review status: criteria provided, multiple submitters, no conflicts (2 of 4 stars). 2 submissions from 2 submitters: Uncertain significance (2). Last evaluated 2021-11-06.

Conditions:
Hypertrophic cardiomyopathy. Also called: HYPERTROPHIC MYOCARDIOPATHY. Identifiers: Orphanet 217569, MedGen C0007194, MeSH D002312, MONDO:0005045, HP:0001639.

Allele frequency attached by ClinVar (database versions not stated): gnomAD exomes below 0.00001; TOPMed below 0.00001; ExAC 0.00001; gnomAD 0.00001.
gnomAD v4.1: 4 of 1,613,836 alleles (0.00025%); highest among the groups gnomAD compares: Non-Finnish European, 0.00034%; no homozygotes.

Submissions (2):

Labcorp Genetics (formerly Invitae), Labcorp
Classification: Uncertain significance for Hypertrophic cardiomyopathy. Last evaluated: 2021-11-06. Review status: criteria provided, single submitter. Criteria: Invitae Variant Classification Sherloc (09022015). Collection method: clinical testing. Allele origin: germline.
Comment: This sequence change replaces glutamic acid, which is acidic and polar, with glutamine, which is neutral and polar, at codon 98 of the MYOZ2 protein (p.Glu98Gln). This variant is present in population databases (rs779446731, gnomAD no frequency). This variant has not been reported in the literature in individuals affected with MYOZ2-related conditions. ClinVar contains an entry for this variant (Variation ID: 213654). Algorithms developed to predict the effect of missense changes on protein structure and function (SIFT, PolyPhen-2, Align-GVGD) all suggest that this variant is likely to be tolerated. In summary, the available evidence is currently insufficient to determine the role of this variant in disease. Therefore, it has been classified as a Variant of Uncertain Significance.

GeneDx
Classification: Uncertain significance. Last evaluated: 2019-11-19. Review status: criteria provided, single submitter. Criteria: GeneDx Variant Classification Process June 2021. Collection method: clinical testing. Allele origin: germline. Affected: yes.
Comment: Not observed at a significant frequency in large population cohorts (Lek et al., 2016); This variant is associated with the following publications: (PMID: 31198128)